The following is an entry in ClinVar:

ClinVar aggregate classification (germline): Uncertain significance (1 of 4 stars; one submission).

Conditions:
Familial hemophagocytic lymphohistiocytosis 3 (FHL3). Also called: UNC13D-Related Familial Hemophagocytic Lymphohistiocytosis (UNC13D-fHLH). Identifiers: Orphanet 540, MedGen C1837174, MONDO:0012146, OMIM 608898.

gnomAD v4.1: 15 of 1,613,996 alleles (0.00093%); highest among the groups gnomAD compares: African/African-American, 0.0013%; no homozygotes.

Submission:

Labcorp Genetics (formerly Invitae), Labcorp
Classification: Uncertain significance for Familial hemophagocytic lymphohistiocytosis 3. Last evaluated: 2024-01-25. Review status: criteria provided, single submitter. Criteria: Invitae Variant Classification Sherloc (09022015). Collection method: clinical testing. Allele origin: germline.
Comment: This sequence change falls in intron 26 of the UNC13D gene. It does not directly change the encoded amino acid sequence of the UNC13D protein. It affects a nucleotide within the consensus splice site. The frequency data for this variant in the population databases is considered unreliable, as metrics indicate poor data quality at this position in the gnomAD database. This variant has not been reported in the literature in individuals affected with UNC13D-related conditions. Variants that disrupt the consensus splice site are a relatively common cause of aberrant splicing (PMID: 17576681, 9536098). Algorithms developed to predict the effect of sequence changes on RNA splicing suggest that this variant is not likely to affect RNA splicing. In summary, the available evidence is currently insufficient to determine the role of this variant in disease. Therefore, it has been classified as a Variant of Uncertain Significance.

Literature cited by the submitters: PubMed 17576681; PubMed 9536098.

NM_199242.3(UNC13D):c.2553+6A>T

Gene: UNC13D (unc-13 homolog D; minus strand). Cytogenetic location: 17q25.1.
Variant type: single nucleotide variant.
Coding change: c.2553+6A>T on transcript NM_199242.3 (MANE Select); 6 bases into the intron after coding-DNA position 2553, A replaced by T.
Molecular consequence: intron variant.
Genome position (GRCh38, 1-based): chr17:75,831,237, T>A on the plus strand (A>T on the coding strand, the complement: UNC13D is on the minus strand). VCF-style: chr17-75831237-T-A. GRCh37 (hg19) VCF-style: chr17-73827318-T-A.
Identifiers: ClinVar variation 3707408 (VCV003707408.2).